The following is an entry in ClinVar:

NM_000136.3(FANCC):c.760A>G (p.Met254Val)

Genes: AOPEP (aminopeptidase O (putative); plus strand), FANCC (FA complementation group C; minus strand). Cytogenetic location: 9q22.32.
Variant type: single nucleotide variant.
Coding change: c.760A>G on transcript NM_000136.3 (MANE Select); coding-DNA position 760, A replaced by G.
Protein change: p.Met254Val; replaces methionine 254 with valine.
Molecular consequence: missense variant.
Genome position (GRCh38, 1-based): chr9:95,135,429, T>C on the plus strand (A>G on the coding strand, the complement: FANCC is on the minus strand). VCF-style: chr9-95135429-T-C. GRCh37 (hg19) VCF-style: chr9-97897711-T-C.
Other names: c.760A>G, p.Met254Val (NM_001243743.2, NM_001243744.2); short protein forms M254V.
Identifiers: ClinVar variation 237076 (VCV000237076.23), dbSNP rs757294568, ClinGen allele CA5137637.
Genomic context (GRCh38, chr9:95,135,429, plus strand): 5'-ATTCGATCCTTCTCAGACAATTTCTCTCACTGGAGATTAGCTTTTCAAAAAGATGCAGCA[T>C]TGCTTTTTCAAGGCTGGGAAGGTGCCGAAGCCAGAGGCAGACTACAGCTGACATGGGGAG-3'
Protein context (NP_000127.2, residues 244-264): LRHLPSLEKA[Met254Val]LHLFEKLISS

ClinVar aggregate classification (germline): Conflicting classifications of pathogenicity. Review status: criteria provided, conflicting classifications (1 of 4 stars). 8 submissions from 8 submitters: Uncertain significance (5); Likely benign (1). 2 of the submissions do not count toward it. Last evaluated 2026-01-19.

Conditions:
Fanconi anemia complementation group C (FANCC). Also called: FANCC-Related Fanconi Anemia; FANCONI PANCYTOPENIA, TYPE 3; FACC; Fanconi anemia, group C. Identifiers: Orphanet 84, MedGen C3468041, MONDO:0009213, OMIM 227645.
Hereditary cancer-predisposing syndrome. Also called: Hereditary neoplastic syndrome; Hereditary Cancer Syndrome; Neoplastic Syndromes, Hereditary; Tumor predisposition. Identifiers: Orphanet 140162, MedGen C0027672, MeSH D009386, MONDO:0015356.
Fanconi anemia (FA). Also called: Fanconi's anemia. Identifiers: Orphanet 84, MedGen C0015625, MeSH D005199, MONDO:0019391.
Malignant tumor of breast. Also called: Malignant breast neoplasm; Cancer breast. Identifiers: MedGen C0006142, MONDO:0007254. Disease mechanism: loss of function.

Allele frequency attached by ClinVar (database versions not stated): gnomAD exomes below 0.00001; ExAC 0.00001.
gnomAD v4.1: 5 of 1,613,972 alleles (0.00031%); highest among the groups gnomAD compares: East Asian, 0.0045%; no homozygotes.

Submissions (8):

Labcorp Genetics (formerly Invitae), Labcorp
Classification: Uncertain significance for Fanconi anemia. Last evaluated: 2026-01-19. Review status: criteria provided, single submitter. Criteria: Invitae Variant Classification Sherloc (09022015). Collection method: clinical testing. Allele origin: germline.
Comment: This sequence change replaces methionine, which is neutral and non-polar, with valine, which is neutral and non-polar, at codon 254 of the FANCC protein (p.Met254Val). This variant is not present in population databases (gnomAD no frequency). This missense change has been observed in individual(s) with breast cancer (PMID: 32885271). ClinVar contains an entry for this variant (Variation ID: 237076). Invitae Evidence Modeling of protein sequence and biophysical properties (such as structural, functional, and spatial information, amino acid conservation, physicochemical variation, residue mobility, and thermodynamic stability) indicates that this missense variant is not expected to disrupt FANCC protein function with a negative predictive value of 80%. In summary, the available evidence is currently insufficient to determine the role of this variant in disease. Therefore, it has been classified as a Variant of Uncertain Significance.

Quest Diagnostics Nichols Institute San Juan Capistrano
Classification: Uncertain significance. Last evaluated: 2024-08-13. Review status: criteria provided, single submitter. Criteria: Quest Diagnostics criteria. Collection method: clinical testing. Allele origin: unknown.
Comment: The FANCC c.760A>G (p.Met254Val) variant has been reported in the published literature in an individual with breast cancer (PMID: 32885271 (2021)). The frequency of this variant in the general population, 0.000004 (1/251400 chromosomes (Genome Aggregation Database)), is uninformative in the assessment of its pathogenicity. Analysis of this variant using bioinformatics tools for the prediction of the effect of amino acid changes on protein structure and function yielded predictions that this variant is benign. Based on the available information, we are unable to determine the clinical significance of this variant.

Ambry Genetics
Classification: Likely benign for Hereditary cancer-predisposing syndrome. Last evaluated: 2024-05-14. Review status: criteria provided, single submitter. Criteria: Ambry Variant Classification Scheme 2023. Collection method: clinical testing. Allele origin: germline.

Fulgent Genetics
Classification: Uncertain significance for Fanconi anemia complementation group C. Last evaluated: 2024-05-06. Review status: criteria provided, single submitter. Criteria: ACMG Guidelines, 2015. Collection method: clinical testing. Allele origin: germline.

GeneDx
Classification: Uncertain significance. Last evaluated: 2023-11-26. Review status: criteria provided, single submitter. Criteria: GeneDx Variant Classification Process June 2021. Collection method: clinical testing. Allele origin: germline. Affected: yes.
Comment: Not observed at significant frequency in large population cohorts (gnomAD); In silico analysis supports that this missense variant does not alter protein structure/function; Has not been previously published as pathogenic or benign to our knowledge; This variant is associated with the following publications: (PMID: Gordon2000[Book])

Sema4
Classification: Uncertain significance for Fanconi anemia. Last evaluated: 2021-08-10. Review status: criteria provided, single submitter. Criteria: Sema4 Curation Guidelines. Collection method: curation. Allele origin: germline.
Comment: The FANCC c.760A>G (p.M254V) variant has not been reported in the literature to our knowledge. It was observed in 1/18388 chromosomes of the East Asian subpopulation in the large and broad cohorts of the Genome Aggregation Database (PMID: 32461654). The variant has been reported in ClinVar (Variation ID 237076). Functional studies have not been performed, and in silico predictions of the variant's effect on protein function are inconclusive. The evidence is insufficient to meet ACMG/AMP criteria for classifying the variant as benign or pathogenic. Thus, the clinical significance of this variant is currently uncertain.

Natera, Inc.
Classification: Uncertain significance for Fanconi anemia, group C. Last evaluated: 2020-09-16. Review status: no assertion criteria provided. Collection method: clinical testing. Allele origin: germline. Not counted in ClinVar's aggregate classification.

Department of Pathology and Laboratory Medicine, Sinai Health System
Classification: Uncertain significance for Malignant tumor of breast. Review status: no assertion criteria provided. Collection method: clinical testing. Allele origin: unknown. Affected: yes. Study: The Canadian Open Genetics Repository (COGR). Not counted in ClinVar's aggregate classification.
Comment: The FANCC p.Met254Val variant was not identified in the literature nor was it identified in the Cosmic or LOVD 3.0 databases. The variant was identified in dbSNP (ID: rs757294568 as â€šÃ„ÃºWith Uncertain significance alleleâ€šÃ„Ã¹) and ClinVar (1x classified as uncertain significance by Invitae). The variant was identified in control databases in 1 of 120966 chromosomes at a frequency of 0.000008 (Exome Aggregation Consortium, August 8th 2016), specifically in the East Asian population in 1 of 8642 chromosomes (freq: 0.0001) and was not observed in the African, European Non-Finnish, Other, Latino, Ashkenazi Jewish, Finnish, or South Asian populations. The p.Met254 residue is not conserved in mammals and 5 of 5 computational analyses (PolyPhen-2, SIFT, AlignGVGD, BLOSUM, MutationTaster) do not suggest a high likelihood of impact to the protein; however, this information is not predictive enough to rule out pathogenicity. The variant occurs outside of the splicing consensus sequence and 4 of 5 in silico or computational prediction software programs (SpliceSiteFinder, MaxEntScan, NNSPLICE, GeneSplicer, HumanSpliceFinder) do not predict a difference in splicing. In summary, based on the above information the clinical significance of this variant cannot be determined with certainty at this time. This variant is classified as a variant of uncertain significance.

Literature cited by the submitters: PubMed 32885271 (cited by Labcorp Genetics (formerly Invitae), Labcorp and Quest Diagnostics Nichols Institute San Juan Capistrano).